The following is an entry in ClinVar:

NM_001080432.3(FTO):c.252G>C (p.Arg84Ser)

Gene: FTO (FTO alpha-ketoglutarate dependent dioxygenase; plus strand). Cytogenetic location: 16q12.2.
Variant type: single nucleotide variant.
Coding change: c.252G>C on transcript NM_001080432.3 (MANE Select); coding-DNA position 252, G replaced by C.
Protein change: p.Arg84Ser; replaces arginine 84 with serine.
Molecular consequence: missense variant.
Genome position (GRCh38, 1-based): chr16:53,825,992, G>C. VCF-style: chr16-53825992-G-C. GRCh37 (hg19) VCF-style: chr16-53859904-G-C.
Other names: c.252G>C, p.Arg84Ser (NM_001363891.2, NM_001363894.2, NM_001363896.2 and 6 more transcripts); c.174G>C, p.Arg58Ser (NM_001363897.2); c.-262G>C (NM_001363905.2); short protein forms R58S, R84S.
Identifiers: ClinVar variation 3371625 (VCV003371625.1).

ClinVar aggregate classification (germline): Uncertain significance (1 of 4 stars; one submission).

gnomAD v4.1: 75 of 1,614,042 alleles (0.0046%); highest among the groups gnomAD compares: Admixed American, 0.043%; no homozygotes.

Submission:

GeneDx
Classification: Uncertain significance. Last evaluated: 2024-03-25. Review status: criteria provided, single submitter. Criteria: GeneDx Variant Classification Process June 2021. Collection method: clinical testing. Allele origin: germline. Affected: yes.
Comment: In silico analysis supports that this missense variant has a deleterious effect on protein structure/function; Has not been previously published as pathogenic or benign to our knowledge